The following is an entry in ClinVar:

NM_001042646.3(TRAK1):c.1162T>C (p.Leu388=)

Gene: TRAK1 (trafficking kinesin protein 1; plus strand). Cytogenetic location: 3p22.1.
Variant type: single nucleotide variant.
Coding change: c.1162T>C on transcript NM_001042646.3 (MANE Select); coding-DNA position 1162, T replaced by C.
Protein change: p.Leu388=; no amino-acid change (leucine 388 retained).
Molecular consequence: synonymous variant. On other transcripts: non-coding transcript variant (1).
Genome position (GRCh38, 1-based): chr3:42,199,225, T>C. VCF-style: chr3-42199225-T-C. GRCh37 (hg19) VCF-style: chr3-42240717-T-C.
Other names: c.1162T>C, p.Leu388= (NM_001265608.2, NM_001349246.2, NM_001349247.2); c.940T>C, p.Leu314= (NM_001265609.2, NM_001265610.1, NM_001349248.1 and 1 more transcripts); c.850T>C, p.Leu284= (NM_001349245.1); c.988T>C, p.Leu330= (NM_014965.5); c.1162T>C (NM_001042646.2).
Identifiers: ClinVar variation 1615167 (VCV001615167.10), dbSNP rs146849711, ClinGen allele CA2333394.

ClinVar aggregate classification (germline): Likely benign. Review status: criteria provided, single submitter (1 of 4 stars). 2 submissions from 2 submitters: Likely benign (1). 1 of the submissions does not count toward it. Last evaluated 2025-05-12.

Conditions:
TRAK1-related disorder. Also called: TRAK1-related condition.

Allele frequency attached by ClinVar (database versions not stated): ExAC 0.00002; gnomAD exomes 0.00004 and 0.00008; gnomAD 0.00005 and 0.00006; TOPMed 0.00007; ESP Exome Variant Server 0.00015.
gnomAD v4.1: 121 of 1,613,806 alleles (0.0075%); highest among the groups gnomAD compares: Non-Finnish European, 0.0099%; no homozygotes.

Submissions (2):

Labcorp Genetics (formerly Invitae), Labcorp
Classification: Likely benign. Last evaluated: 2025-05-12. Review status: criteria provided, single submitter. Criteria: Invitae Variant Classification Sherloc (09022015). Collection method: clinical testing. Allele origin: germline.

PreventionGenetics, part of Exact Sciences
Classification: Likely benign for TRAK1-related condition. Last evaluated: 2019-07-22. Review status: no assertion criteria provided. Collection method: clinical testing. Allele origin: germline. Not counted in ClinVar's aggregate classification.
Comment: This variant is classified as likely benign based on ACMG/AMP sequence variant interpretation guidelines (Richards et al. 2015 PMID: 25741868, with internal and published modifications).